The following is an entry in ClinVar:

NM_006245.4(PPP2R5D):c.1567C>T (p.Arg523Ter)

Gene: PPP2R5D (protein phosphatase 2 regulatory subunit B'delta; plus strand). Cytogenetic location: 6p21.1.
Variant type: single nucleotide variant.
Coding change: c.1567C>T on transcript NM_006245.4 (MANE Select); coding-DNA position 1567, C replaced by T.
Protein change: p.Arg523Ter; replaces arginine 523 with a stop codon.
Molecular consequence: nonsense.
Genome position (GRCh38, 1-based): chr6:43,010,893, C>T. VCF-style: chr6-43010893-C-T. GRCh37 (hg19) VCF-style: chr6-42978631-C-T.
Other names: c.1114C>T, p.Arg372Ter (NM_001270476.2); c.1471C>T, p.Arg491Ter (NM_180976.3); c.1249C>T, p.Arg417Ter (NM_180977.3); short protein forms R372*, R491*, R417*, R523*.
Identifiers: ClinVar variation 2797235 (VCV002797235.3), dbSNP rs374997642, ClinGen allele CA3812112.

ClinVar aggregate classification (germline): Uncertain significance (1 of 4 stars; one submission).

Allele frequency attached by ClinVar (database versions not stated): gnomAD exomes below 0.00001; TOPMed below 0.00001; ExAC 0.00001; ESP Exome Variant Server 0.00008.
gnomAD v4.1: 6 of 1,613,450 alleles (0.00037%); highest among the groups gnomAD compares: Non-Finnish European, 0.00051%; no homozygotes.

Submission:

Labcorp Genetics (formerly Invitae), Labcorp
Classification: Uncertain significance. Last evaluated: 2023-05-11. Review status: criteria provided, single submitter. Criteria: Invitae Variant Classification Sherloc (09022015). Collection method: clinical testing. Allele origin: germline.
Comment: Experimental studies and prediction algorithms are not available or were not evaluated, and the functional significance of this variant is currently unknown. In summary, the available evidence is currently insufficient to determine the role of this variant in disease. Therefore, it has been classified as a Variant of Uncertain Significance. This variant has not been reported in the literature in individuals affected with PPP2R5D-related conditions. This variant is present in population databases (rs374997642, gnomAD 0.0009%). This sequence change creates a premature translational stop signal (p.Arg523*) in the PPP2R5D gene. It is expected to result in an absent or disrupted protein product. However, the current clinical and genetic evidence is not sufficient to establish whether loss-of-function variants in PPP2R5D cause disease.